The following is an entry in ClinVar:

ClinVar aggregate classification (germline): Pathogenic (1 of 4 stars; one submission).

Submission:

Labcorp Genetics (formerly Invitae), Labcorp
Classification: Pathogenic. Last evaluated: 2022-10-14. Review status: criteria provided, single submitter. Criteria: Invitae Variant Classification Sherloc (09022015). Collection method: clinical testing. Allele origin: germline.
Comment: For these reasons, this variant has been classified as Pathogenic. This variant has not been reported in the literature in individuals affected with TBX4-related conditions. This variant is not present in population databases (gnomAD no frequency). This sequence change creates a premature translational stop signal (p.Glu241*) in the TBX4 gene. It is expected to result in an absent or disrupted protein product. Loss-of-function variants in TBX4 are known to be pathogenic (PMID: 15106123, 31151956, 31761294, 31965066, 32079640).

Literature cited by the submitters: PubMed 15106123; PubMed 31151956; PubMed 31761294; PubMed 31965066; PubMed 32079640.

NM_001321120.2(TBX4):c.721G>T (p.Glu241Ter)

Gene: TBX4 (T-box transcription factor 4; plus strand). Cytogenetic location: 17q23.2.
Variant type: single nucleotide variant.
Coding change: c.721G>T on transcript NM_001321120.2 (MANE Select); coding-DNA position 721, G replaced by T.
Protein change: p.Glu241Ter; replaces glutamic acid 241 with a stop codon.
Molecular consequence: nonsense.
Genome position (GRCh38, 1-based): chr17:61,479,899, G>T. VCF-style: chr17-61479899-G-T. GRCh37 (hg19) VCF-style: chr17-59557260-G-T.
Other names: c.721G>T, p.Glu241Ter (NM_018488.3); short protein forms E241*.
Identifiers: ClinVar variation 2035507 (VCV002035507.4), dbSNP rs2509566765, ClinGen allele CA400473765.